The following is an entry in ClinVar:

NM_001848.3(COL6A1):c.2435-78G>A

Gene: COL6A1 (collagen type VI alpha 1 chain; plus strand). Cytogenetic location: 21q22.3.
Variant type: single nucleotide variant.
Coding change: c.2435-78G>A on transcript NM_001848.3 (MANE Select); 78 bases into the intron before coding-DNA position 2435, G replaced by A.
Molecular consequence: intron variant.
Genome position (GRCh38, 1-based): chr21:46,003,042, G>A. VCF-style: chr21-46003042-G-A. GRCh37 (hg19) VCF-style: chr21-47422956-G-A.
Identifiers: ClinVar variation 674487 (VCV000674487.2), dbSNP rs76087328, ClinGen allele CA321979750.

ClinVar aggregate classification (germline): Likely benign. Review status: criteria provided, multiple submitters, no conflicts (2 of 4 stars). 2 submissions from 2 submitters: Likely benign (2). Last evaluated 2018-06-16.

Allele frequency attached by ClinVar (database versions not stated): 1000 Genomes Project 0.00978; 1000 Genomes Project 30x 0.01046; TOPMed 0.02081; gnomAD 0.02317 and 0.02442; ESP Exome Variant Server 0.02475; gnomAD exomes 0.02779.
gnomAD v4.1: 43,676 of 1,604,962 alleles (2.7%); highest among the groups gnomAD compares: Non-Finnish European, 3.1%; 723 homozygotes.

Submissions (2):

GeneDx
Classification: Likely benign. Last evaluated: 2018-06-16. Review status: criteria provided, single submitter. Criteria: GeneDx Variant Classification (06012015). Collection method: clinical testing. Allele origin: germline. Affected: yes.
Comment: This variant is considered likely benign or benign based on one or more of the following criteria: it is a conservative change, it occurs at a poorly conserved position in the protein, it is predicted to be benign by multiple in silico algorithms, and/or has population frequency not consistent with disease.

Breakthrough Genomics
Classification: Likely benign. Review status: criteria provided, single submitter. Criteria: ACMG Guidelines, 2015. Collection method: not provided. Allele origin: germline. Inheritance: Autosomal recessive inheritance. Affected: yes.